The following is an entry in ClinVar:

NM_144563.3(RPIA):c.106C>A (p.Leu36Ile)

Genes: RPIA (ribose 5-phosphate isomerase A; plus strand), LOC129934277 (ATAC-STARR-seq lymphoblastoid silent region 11733; plus strand). Cytogenetic location: 2p11.2.
Variant type: single nucleotide variant.
Coding change: c.106C>A on transcript NM_144563.3 (MANE Select); coding-DNA position 106, C replaced by A.
Protein change: p.Leu36Ile; replaces leucine 36 with isoleucine.
Molecular consequence: missense variant.
Genome position (GRCh38, 1-based): chr2:88,691,804, C>A. VCF-style: chr2-88691804-C-A. GRCh37 (hg19) VCF-style: chr2-88991322-C-A.
Other names: short protein forms L36I.
Identifiers: ClinVar variation 786863 (VCV000786863.14), dbSNP rs201777997, ClinGen allele CA1755082.
Genomic context (GRCh38, chr2:88,691,804, plus strand): 5'-GCCCCGCTGCCCGGGAGGGCCGGGGGCGCGGCCTCCGGCGGAGGAGGGAACAGCTGGGAC[C>A]TCCCGGGTTCCCACGTGCGGCTGCCGGGGCGTGCACAGTCTGGGACCCGTGGCGGTGCTG-3'
Protein context (NP_653164.2, residues 26-46): ASGGGGNSWD[Leu36Ile]PGSHVRLPGR

ClinVar aggregate classification (germline): Benign/Likely benign. Review status: criteria provided, multiple submitters, no conflicts (2 of 4 stars). 5 submissions from 5 submitters: Benign (2); Likely benign (2). 1 of the submissions does not count toward it. Last evaluated 2025-10-09.

Conditions:
Inborn genetic diseases. Identifiers: MedGen C0950123, MeSH D030342.
RPIA-related disorder. Also called: RPIA-related condition.

Allele frequency attached by ClinVar (database versions not stated): 1000 Genomes Project 0.00140; 1000 Genomes Project 30x 0.00156; gnomAD 0.00166 and 0.00177; TOPMed 0.00170; gnomAD exomes 0.00046; ExAC 0.00077; ESP Exome Variant Server 0.00139.
gnomAD v4.1: 499 of 1,595,144 alleles (0.031%); highest among the groups gnomAD compares: African/African-American, 0.6%; 4 homozygotes.

Submissions (5):

Labcorp Genetics (formerly Invitae), Labcorp
Classification: Benign. Last evaluated: 2025-10-09. Review status: criteria provided, single submitter. Criteria: Invitae Variant Classification Sherloc (09022015). Collection method: clinical testing. Allele origin: germline.

Women's Health and Genetics/Laboratory Corporation of America, LabCorp
Classification: Likely benign. Last evaluated: 2025-09-04. Review status: criteria provided, single submitter. Criteria: LabCorp Variant Classification Summary - May 2015. Collection method: clinical testing. Allele origin: germline.
Comment: Variant summary: RPIA c.106C>A (p.Leu36Ile) results in a conservative amino acid change in the encoded protein sequence. Algorithms developed to predict the effect of missense changes on protein structure and function all suggest that this variant is likely to be tolerated. The variant allele was found at a frequency of 0.00046 in 204150 control chromosomes, predominantly at a frequency of 0.0071 within the African or African-American subpopulation in the gnomAD database. The observed variant frequency within African or African-American control individuals in the gnomAD database exceeds the estimated maximal expected allele frequency for disease-causing variants in RPIA. To our knowledge, no occurrence of c.106C>A in individuals affected with RPIA-related conditions and no experimental evidence demonstrating its impact on protein function have been reported. ClinVar contains an entry for this variant (Variation ID: 786863). Based on the evidence outlined above, the variant was classified as likely benign.

Ambry Genetics
Classification: Likely benign for Inborn genetic diseases. Last evaluated: 2025-02-20. Review status: criteria provided, single submitter. Criteria: Ambry Variant Classification Scheme 2023. Collection method: clinical testing. Allele origin: germline.

Breakthrough Genomics
Classification: Benign. Review status: criteria provided, single submitter. Criteria: ACMG Guidelines, 2015. Collection method: not provided. Allele origin: germline. Inheritance: Autosomal recessive inheritance. Affected: yes.

PreventionGenetics, part of Exact Sciences
Classification: Likely benign for RPIA-related condition. Last evaluated: 2019-06-20. Review status: no assertion criteria provided. Collection method: clinical testing. Allele origin: germline. Not counted in ClinVar's aggregate classification.
Comment: This variant is classified as likely benign based on ACMG/AMP sequence variant interpretation guidelines (Richards et al. 2015 PMID: 25741868, with internal and published modifications).